The following is an entry in ClinVar:

ClinVar aggregate classification (germline): Conflicting classifications of pathogenicity. Review status: criteria provided, conflicting classifications (1 of 4 stars). 4 submissions from 4 submitters: Uncertain significance (2); Likely benign (1). 1 of the submissions does not count toward it. Last evaluated 2025-09-07.

Conditions:
NF1-related disorder. Also called: NF1-related condition. Identifiers: MedGen CN379171.
Neurofibromatosis, type 1 (NF1). Also called: VON RECKLINGHAUSEN DISEASE; Peripheral type neurofibromatosis; NEUROFIBROMATOSIS, TYPE I, SOMATIC; Neurofibromatosis, type I. Identifiers: Orphanet 636, MedGen C0027831, MONDO:0018975, OMIM 162200. Disease mechanism: loss of function.
Cardiovascular phenotype. Identifiers: MedGen CN230736.
Hereditary cancer-predisposing syndrome. Also called: Neoplastic Syndromes, Hereditary; Tumor predisposition; Hereditary Cancer Syndrome; Hereditary neoplastic syndrome. Identifiers: Orphanet 140162, MedGen C0027672, MeSH D009386, MONDO:0015356.

Allele frequency attached by ClinVar (database versions not stated): gnomAD exomes below 0.00001 and 0.00001; ExAC 0.00002.
gnomAD v4.1: 6 of 1,614,094 alleles (0.00037%); highest among the groups gnomAD compares: Admixed American, 0.0017%; no homozygotes.

Submissions (4):

Labcorp Genetics (formerly Invitae), Labcorp
Classification: Likely benign for Neurofibromatosis, type 1. Last evaluated: 2025-09-07. Review status: criteria provided, single submitter. Criteria: Invitae Variant Classification Sherloc (09022015). Collection method: clinical testing. Allele origin: germline.

Blueprint Genetics
Classification: Uncertain significance. Last evaluated: 2024-03-01. Review status: criteria provided, single submitter. Criteria: ACMG Guidelines, 2015. Collection method: clinical testing. Allele origin: germline.

Ambry Genetics
Classification: Uncertain significance for Cardiovascular phenotype; Hereditary cancer-predisposing syndrome. Last evaluated: 2021-10-05. Review status: criteria provided, single submitter. Criteria: Ambry Variant Classification Scheme 2023. Collection method: clinical testing. Allele origin: germline.

PreventionGenetics, part of Exact Sciences
Classification: Uncertain significance for NF1-related condition. Last evaluated: 2024-01-31. Review status: no assertion criteria provided. Collection method: clinical testing. Allele origin: germline. Not counted in ClinVar's aggregate classification.
Comment: The NF1 c.5536C>T variant is predicted to result in the amino acid substitution p.Arg1846Trp. This variant has been reported in an individual with neurofibromatosis type 1; however, it was also present in unaffected family members and therefore was not considered to be contributing to disease (referred to as p.Arg1825Trp in Ars et al. 2003. PubMed ID: 12807981). This variant has also been reported in an individual with breast cancer (Supplemental Data 1, Momozawa et al. 2018. PubMed ID: 30287823). This variant is reported in 0.0054% of alleles in individuals of East Asian descent in gnomAD. At this time, the clinical significance of this variant is uncertain due to the absence of conclusive functional and genetic evidence.

NM_001042492.3(NF1):c.5536C>T (p.Arg1846Trp)

Gene: NF1 (neurofibromin 1; plus strand). Cytogenetic location: 17q11.2.
Variant type: single nucleotide variant.
Coding change: c.5536C>T on transcript NM_001042492.3 (MANE Select); coding-DNA position 5536, C replaced by T.
Protein change: p.Arg1846Trp; replaces arginine 1846 with tryptophan.
Molecular consequence: missense variant.
Genome position (GRCh38, 1-based): chr17:31,327,766, C>T. VCF-style: chr17-31327766-C-T. GRCh37 (hg19) VCF-style: chr17-29654784-C-T.
Other names: c.5473C>T, p.Arg1825Trp (NM_000267.4); short protein forms R1846W, R1825W.
Identifiers: ClinVar variation 835306 (VCV000835306.12), dbSNP rs769843989, ClinGen allele CA8487187.